The following is an entry in ClinVar:

ClinVar aggregate classification (germline): Uncertain significance (1 of 4 stars; one submission).

gnomAD v4.1: 1 of 1,613,980 alleles (0.000062%); highest among the groups gnomAD compares: Non-Finnish European, 0.000085%; no homozygotes.

Submission:

GeneDx
Classification: Uncertain significance. Last evaluated: 2023-07-25. Review status: criteria provided, single submitter. Criteria: GeneDx Variant Classification Process June 2021. Collection method: clinical testing. Allele origin: germline. Affected: yes.
Comment: Not observed at significant frequency in large population cohorts (gnomAD); In silico analysis supports that this missense variant has a deleterious effect on protein structure/function; Has not been previously published as pathogenic or benign to our knowledge

NM_001042545.2(LTBP4):c.4106C>T (p.Pro1369Leu)

Gene: LTBP4 (latent transforming growth factor beta binding protein 4; plus strand). Cytogenetic location: 19q13.2.
Variant type: single nucleotide variant.
Coding change: c.4106C>T on transcript NM_001042545.2 (MANE Select); coding-DNA position 4106, C replaced by T.
Protein change: p.Pro1369Leu; replaces proline 1369 with leucine.
Molecular consequence: missense variant.
Genome position (GRCh38, 1-based): chr19:40,627,095, C>T. VCF-style: chr19-40627095-C-T. GRCh37 (hg19) VCF-style: chr19-41133000-C-T.
Other names: c.4307C>T, p.Pro1436Leu (NM_001042544.1); c.4196C>T, p.Pro1399Leu (NM_003573.2); short protein forms P1369L, P1399L, P1436L.
Identifiers: ClinVar variation 3361597 (VCV003361597.1).